The following is an entry in ClinVar:

NM_012281.3(KCND2):c.1024dup (p.Met342fs)

Gene: KCND2 (potassium voltage-gated channel subfamily D member 2; plus strand). Cytogenetic location: 7q31.31.
Variant type: Duplication.
Coding change: c.1024dup on transcript NM_012281.3 (MANE Select); coding-DNA position 1024, one base duplicated (A; older notation c.1024dupA).
Protein change: p.Met342fs; shifts the reading frame from methionine 342.
Molecular consequence: frameshift variant.
Genome position (GRCh38, 1-based): chr7:120,275,656, A duplicated. VCF-style (leftmost placement, unchanged base first): chr7-120275655-T-TA. GRCh37 (hg19) VCF-style: chr7-119915709-T-TA.
Other names: c.1024dup (NM_012281.2); short protein forms M342fs.
Identifiers: ClinVar variation 1480970 (VCV001480970.7), dbSNP rs2116244420, ClinGen allele CA2573141591.

ClinVar aggregate classification (germline): Uncertain significance. Review status: criteria provided, multiple submitters, no conflicts (2 of 4 stars). 2 submissions from 2 submitters: Uncertain significance (2). Last evaluated 2026-03-31.

Conditions:
Early Myoclonic Encephalopathy. Identifiers: MedGen C0270855.

Submissions (2):

GeneDx
Classification: Uncertain significance. Last evaluated: 2026-03-31. Review status: criteria provided, single submitter. Criteria: GeneDx Variant Classification Process June 2021. Collection method: clinical testing. Allele origin: germline.
Comment: Frameshift variant predicted to result in protein truncation or nonsense mediated decay in a gene or region of a gene for which loss of function is not a well-established mechanism of disease; Not observed at significant frequency in large population cohorts (gnomAD); Has not been previously published as pathogenic or benign to our knowledge

Labcorp Genetics (formerly Invitae), Labcorp
Classification: Uncertain significance for Early Myoclonic Encephalopathy. Last evaluated: 2022-07-05. Review status: criteria provided, single submitter. Criteria: Invitae Variant Classification Sherloc (09022015). Collection method: clinical testing. Allele origin: germline.
Comment: This sequence change creates a premature translational stop signal (p.Met342Asnfs*11) in the KCND2 gene. It is expected to result in an absent or disrupted protein product. However, the current clinical and genetic evidence is not sufficient to establish whether loss-of-function variants in KCND2 cause disease. In summary, the available evidence is currently insufficient to determine the role of this variant in disease. Therefore, it has been classified as a Variant of Uncertain Significance. ClinVar contains an entry for this variant (Variation ID: 1480970). This variant has not been reported in the literature in individuals affected with KCND2-related conditions. This variant is not present in population databases (gnomAD no frequency).